The following is an entry in ClinVar:

NM_003970.4(MYOM2):c.3503T>C (p.Val1168Ala)

Gene: MYOM2 (myomesin 2; plus strand). Cytogenetic location: 8p23.3.
Variant type: single nucleotide variant.
Coding change: c.3503T>C on transcript NM_003970.4 (MANE Select); coding-DNA position 3503, T replaced by C.
Protein change: p.Val1168Ala; replaces valine 1168 with alanine.
Molecular consequence: missense variant.
Genome position (GRCh38, 1-based): chr8:2,123,301, T>C. VCF-style: chr8-2123301-T-C. GRCh37 (hg19) VCF-style: chr8-2071174-T-C.
Other names: short protein forms V1168A.
Identifiers: ClinVar variation 3059679 (VCV003059679.2), dbSNP rs17854780, ClinGen allele CA170462597.

ClinVar aggregate classification (germline): Benign (0 of 4 stars; one submission).

Conditions:
MYOM2-related disorder. Also called: MYOM2-related condition.

Allele frequency attached by ClinVar (database versions not stated): ESP Exome Variant Server 0.08973; TOPMed 0.09221; 1000 Genomes Project 30x 0.09510; 1000 Genomes Project 0.09685; gnomAD 0.10025; ExAC 0.11147; gnomAD exomes 0.11946.
gnomAD v4.1: 189,508 of 1,613,204 alleles (12%); highest among the groups gnomAD compares: East Asian, 21%; 12,135 homozygotes.

Submission:

PreventionGenetics, part of Exact Sciences
Classification: Benign for MYOM2-related condition. Last evaluated: 2019-11-27. Review status: no assertion criteria provided. Collection method: clinical testing. Allele origin: germline.
Comment: This variant is classified as benign based on ACMG/AMP sequence variant interpretation guidelines (Richards et al. 2015 PMID: 25741868, with internal and published modifications).